The following is an entry in ClinVar:

ClinVar aggregate classification (germline): Uncertain significance (1 of 4 stars; one submission).

Conditions:
Hereditary cancer-predisposing syndrome. Also called: Neoplastic Syndromes, Hereditary; Tumor predisposition; Hereditary neoplastic syndrome; Hereditary Cancer Syndrome. Identifiers: Orphanet 140162, MedGen C0027672, MeSH D009386, MONDO:0015356.

Submission:

Ambry Genetics
Classification: Uncertain significance for Hereditary cancer-predisposing syndrome. Last evaluated: 2022-12-05. Review status: criteria provided, single submitter. Criteria: Ambry Variant Classification Scheme 2023. Collection method: clinical testing. Allele origin: germline.
Comment: The p.K1514Q variant (also known as c.4540A>C), located in coding exon 29 of the ALK gene, results from an A to C substitution at nucleotide position 4540. The lysine at codon 1514 is replaced by glutamine, an amino acid with similar properties. This amino acid position is conserved. In addition, this alteration is predicted to be tolerated by in silico analysis. Since supporting evidence is limited at this time, the clinical significance of this alteration remains unclear.

NM_004304.5(ALK):c.4540A>C (p.Lys1514Gln)

Gene: ALK (ALK receptor tyrosine kinase; minus strand). Cytogenetic location: 2p23.2.
Variant type: single nucleotide variant.
Coding change: c.4540A>C on transcript NM_004304.5 (MANE Select); coding-DNA position 4540, A replaced by C.
Protein change: p.Lys1514Gln; replaces lysine 1514 with glutamine.
Molecular consequence: missense variant.
Genome position (GRCh38, 1-based): chr2:29,193,547, T>G on the plus strand (A>C on the coding strand, the complement: ALK is on the minus strand). VCF-style: chr2-29193547-T-G. GRCh37 (hg19) VCF-style: chr2-29416413-T-G.
Other names: c.1336A>C, p.Lys446Gln (NM_001353765.2); short protein forms K1514Q, K446Q.
Identifiers: ClinVar variation 2452100 (VCV002452100.2), dbSNP rs2465873615, ClinGen allele CA346460883.